The following is an entry in ClinVar:

ClinVar aggregate classification (germline): Uncertain significance. Review status: criteria provided, multiple submitters, no conflicts (2 of 4 stars). 2 submissions from 2 submitters: Uncertain significance (2). Last evaluated 2023-12-09.

Conditions:
Multiple gastrointestinal atresias. Also called: Multiple intestinal atresia; FAMILIAL INTESTINAL POLYATRESIA SYNDROME. Identifiers: Orphanet 2300, MedGen C0220744, MONDO:0009465.
Inborn genetic diseases. Identifiers: MedGen C0950123, MeSH D030342.

Allele frequency attached by ClinVar (database versions not stated): ExAC 0.00005; gnomAD exomes 0.00005; gnomAD 0.00006 and 0.00007; TOPMed 0.00008; 1000 Genomes Project 0.00020; 1000 Genomes Project 30x 0.00031.
gnomAD v4.1: 50 of 1,614,052 alleles (0.0031%); highest among the groups gnomAD compares: South Asian, 0.016%; no homozygotes.

Submissions (2):

Ambry Genetics
Classification: Uncertain significance for Inborn genetic diseases. Last evaluated: 2023-12-09. Review status: criteria provided, single submitter. Criteria: Ambry Variant Classification Scheme 2023. Collection method: clinical testing. Allele origin: germline.

Labcorp Genetics (formerly Invitae), Labcorp
Classification: Uncertain significance for Multiple gastrointestinal atresias. Last evaluated: 2022-10-24. Review status: criteria provided, single submitter. Criteria: Invitae Variant Classification Sherloc (09022015). Collection method: clinical testing. Allele origin: germline.
Comment: This sequence change replaces arginine, which is basic and polar, with cysteine, which is neutral and slightly polar, at codon 188 of the TTC7A protein (p.Arg188Cys). This variant is present in population databases (rs544316606, gnomAD 0.01%). This variant has not been reported in the literature in individuals affected with TTC7A-related conditions. ClinVar contains an entry for this variant (Variation ID: 947583). Advanced modeling of protein sequence and biophysical properties (such as structural, functional, and spatial information, amino acid conservation, physicochemical variation, residue mobility, and thermodynamic stability) performed at Invitae indicates that this missense variant is expected to disrupt TTC7A protein function. In summary, the available evidence is currently insufficient to determine the role of this variant in disease. Therefore, it has been classified as a Variant of Uncertain Significance.

NM_020458.4(TTC7A):c.562C>T (p.Arg188Cys)

Genes: TTC7A (tetratricopeptide repeat domain 7A; plus strand), LOC126806211 (CDK7 strongly-dependent group 2 enhancer GRCh37_chr2:47201305-47202504; plus strand). Cytogenetic location: 2p21.
Variant type: single nucleotide variant.
Coding change: c.562C>T on transcript NM_020458.4 (MANE Select); coding-DNA position 562, C replaced by T.
Protein change: p.Arg188Cys; replaces arginine 188 with cysteine.
Molecular consequence: missense variant. On other transcripts: 5 prime UTR variant (1).
Genome position (GRCh38, 1-based): chr2:46,975,017, C>T. VCF-style: chr2-46975017-C-T. GRCh37 (hg19) VCF-style: chr2-47202156-C-T.
Other names: c.562C>T, p.Arg188Cys (NM_001288951.2); c.460C>T, p.Arg154Cys (NM_001288953.2); c.-343C>T (NM_001288955.2); c.562C>T (NM_020458.2); short protein forms R188C, R154C.
Identifiers: ClinVar variation 947583 (VCV000947583.8), dbSNP rs544316606, ClinGen allele CA1647255.